The following is an entry in ClinVar:

ClinVar aggregate classification (germline): Uncertain significance (1 of 4 stars; one submission).

Conditions:
Epileptic encephalopathy. Identifiers: MedGen C0543888, HP:0200134.

gnomAD v4.1: 2 of 1,614,070 alleles (0.00012%); highest among the groups gnomAD compares: Admixed American, 0.0017%; no homozygotes.

Submission:

Labcorp Genetics (formerly Invitae), Labcorp
Classification: Uncertain significance for Epileptic encephalopathy. Last evaluated: 2024-12-15. Review status: criteria provided, single submitter. Criteria: Invitae Variant Classification Sherloc (09022015). Collection method: clinical testing. Allele origin: germline.
Comment: This sequence change replaces arginine, which is basic and polar, with lysine, which is basic and polar, at codon 748 of the GABBR2 protein (p.Arg748Lys). This variant is present in population databases (rs762171367, gnomAD 0.003%). This variant has not been reported in the literature in individuals affected with GABBR2-related conditions. Invitae Evidence Modeling of protein sequence and biophysical properties (such as structural, functional, and spatial information, amino acid conservation, physicochemical variation, residue mobility, and thermodynamic stability) indicates that this missense variant is not expected to disrupt GABBR2 protein function with a negative predictive value of 80%. In summary, the available evidence is currently insufficient to determine the role of this variant in disease. Therefore, it has been classified as a Variant of Uncertain Significance.

NM_005458.8(GABBR2):c.2243G>A (p.Arg748Lys)

Gene: GABBR2 (gamma-aminobutyric acid type B receptor subunit 2; minus strand). Cytogenetic location: 9q22.33.
Variant type: single nucleotide variant.
Coding change: c.2243G>A on transcript NM_005458.8 (MANE Select); coding-DNA position 2243, G replaced by A.
Protein change: p.Arg748Lys; replaces arginine 748 with lysine.
Molecular consequence: missense variant.
Genome position (GRCh38, 1-based): chr9:98,303,410, C>T on the plus strand (G>A on the coding strand, the complement: GABBR2 is on the minus strand). VCF-style: chr9-98303410-C-T. GRCh37 (hg19) VCF-style: chr9-101065692-C-T.
Other names: short protein forms R748K.
Identifiers: ClinVar variation 3666627 (VCV003666627.2).
Genomic context (GRCh38, chr9:98,303,410, plus strand): 5'-TTCTTCTGATTCTGAGTGAACTGGAATCGCCTGTTCTGCGTTGCTGCATCTGGGTTTGTT[C>T]TCAGGGTGATGAGCTGAAAGGACAAAGGTTGGGGCGGGGTTGAAGAGAGAGCCTTGAGTC-3'
Protein context (NP_005449.5, residues 738-758): LVFVPKLITL[Arg748Lys]TNPDAATQNR